The following is an entry in ClinVar:

NM_000540.3(RYR1):c.9743G>A (p.Arg3248Gln)

Gene: RYR1 (ryanodine receptor 1; plus strand). Cytogenetic location: 19q13.2.
Variant type: single nucleotide variant.
Coding change: c.9743G>A on transcript NM_000540.3 (MANE Select); coding-DNA position 9743, G replaced by A.
Protein change: p.Arg3248Gln; replaces arginine 3248 with glutamine.
Molecular consequence: missense variant.
Genome position (GRCh38, 1-based): chr19:38,517,416, G>A. VCF-style: chr19-38517416-G-A. GRCh37 (hg19) VCF-style: chr19-39008056-G-A.
Other names: c.9743G>A, p.Arg3248Gln (NM_001042723.2); short protein forms R3248Q.
Identifiers: ClinVar variation 856148 (VCV000856148.7), dbSNP rs553187437, ClinGen allele CA074107.

ClinVar aggregate classification (germline): Uncertain significance. Review status: criteria provided, multiple submitters, no conflicts (2 of 4 stars). 3 submissions from 3 submitters: Uncertain significance (3). Last evaluated 2025-07-01.

Conditions:
RYR1-related disorder. Also called: RYR1-related disorders; RYR1-related condition. Identifiers: MedGen CN239331.
Malignant hyperthermia, susceptibility to, 1 (MHS1). Also called: Malignant hyperthermia suceptibility 1; RYR1-Related Malignant Hyperthermia Susceptibility; Anesthesia related hyperthermia; Malignant hyperpyrexia; Fulminating hyperpyrexia; Pharmacogenic myopathy. Identifiers: Orphanet 423, MedGen C2930980, MONDO:0007783, OMIM 145600.

Allele frequency attached by ClinVar (database versions not stated): gnomAD 0.00001; gnomAD exomes 0.00001; ExAC 0.00002; TOPMed 0.00002; 1000 Genomes Project 0.00020; 1000 Genomes Project 30x 0.00062.
gnomAD v4.1: 20 of 1,614,070 alleles (0.0012%); highest among the groups gnomAD compares: Middle Eastern, 0.033%; no homozygotes.

Submissions (3):

Color Diagnostics, LLC DBA Color Health
Classification: Uncertain significance for Malignant hyperthermia, susceptibility to, 1. Last evaluated: 2025-07-01. Review status: criteria provided, single submitter. Criteria: ACMG Guidelines, 2015. Collection method: clinical testing. Allele origin: germline.
Comment: This missense variant replaces arginine with glutamine at codon 3248 of the RYR1 protein. Computational prediction suggests that this variant may not impact protein structure and function. To our knowledge, functional studies have not been reported for this variant. This variant has not been reported in individuals affected with RYR1-related disorders in the literature. This variant has been identified in 3/249434 chromosomes in the general population by the Genome Aggregation Database (gnomAD). The available evidence is insufficient to determine the role of this variant in disease conclusively. Therefore, this variant is classified as a Variant of Uncertain Significance.

Labcorp Genetics (formerly Invitae), Labcorp
Classification: Uncertain significance for RYR1-related disorder. Last evaluated: 2025-04-13. Review status: criteria provided, single submitter. Criteria: Invitae Variant Classification Sherloc (09022015). Collection method: clinical testing. Allele origin: germline.
Comment: This sequence change replaces arginine, which is basic and polar, with glutamine, which is neutral and polar, at codon 3248 of the RYR1 protein (p.Arg3248Gln). This variant is present in population databases (rs553187437, gnomAD 0.003%). This variant has not been reported in the literature in individuals affected with RYR1-related conditions. ClinVar contains an entry for this variant (Variation ID: 856148). Invitae Evidence Modeling of protein sequence and biophysical properties (such as structural, functional, and spatial information, amino acid conservation, physicochemical variation, residue mobility, and thermodynamic stability) indicates that this missense variant is not expected to disrupt RYR1 protein function with a negative predictive value of 80%. In summary, the available evidence is currently insufficient to determine the role of this variant in disease. Therefore, it has been classified as a Variant of Uncertain Significance.

Breakthrough Genomics
Classification: Uncertain significance. Review status: criteria provided, single submitter. Criteria: ACMG Guidelines, 2015. Collection method: not provided. Allele origin: germline. Inheritance: Autosomal dominant inheritance. Affected: yes.